The following is an entry in ClinVar:

ClinVar aggregate classification (germline): Uncertain significance (1 of 4 stars; one submission).

Conditions:
Aortic valve disease 2 (AOVD2). Identifiers: MedGen C3542024, MONDO:0013902, OMIM 614823.

Allele frequency attached by ClinVar (database versions not stated): gnomAD exomes 0.00001; ExAC 0.00006.

Submission:

Labcorp Genetics (formerly Invitae), Labcorp
Classification: Uncertain significance for Aortic valve disease 2. Last evaluated: 2026-01-04. Review status: criteria provided, single submitter. Criteria: Invitae Variant Classification Sherloc (09022015). Collection method: clinical testing. Allele origin: germline.
Comment: This sequence change replaces leucine, which is neutral and non-polar, with proline, which is neutral and non-polar, at codon 168 of the SMAD6 protein (p.Leu168Pro). The frequency data for this variant in the population databases is considered unreliable, as metrics indicate poor data quality at this position in the gnomAD database. This variant has not been reported in the literature in individuals affected with SMAD6-related conditions. ClinVar contains an entry for this variant (Variation ID: 2139539). Invitae Evidence Modeling of protein sequence and biophysical properties (such as structural, functional, and spatial information, amino acid conservation, physicochemical variation, residue mobility, and thermodynamic stability) indicates that this missense variant is not expected to disrupt SMAD6 protein function with a negative predictive value of 80%. In summary, the available evidence is currently insufficient to determine the role of this variant in disease. Therefore, it has been classified as a Variant of Uncertain Significance.

NM_005585.5(SMAD6):c.503T>C (p.Leu168Pro)

Gene: SMAD6 (SMAD family member 6; plus strand). Cytogenetic location: 15q22.31.
Variant type: single nucleotide variant.
Coding change: c.503T>C on transcript NM_005585.5 (MANE Select); coding-DNA position 503, T replaced by C.
Protein change: p.Leu168Pro; replaces leucine 168 with proline.
Molecular consequence: missense variant. On other transcripts: non-coding transcript variant (1).
Genome position (GRCh38, 1-based): chr15:66,703,761, T>C. VCF-style: chr15-66703761-T-C. GRCh37 (hg19) VCF-style: chr15-66996099-T-C.
Other names: short protein forms L168P.
Identifiers: ClinVar variation 2139539 (VCV002139539.4), dbSNP rs771214072, ClinGen allele CA7626476.